The following is an entry in ClinVar:

NM_016519.6(AMBN):c.709C>T (p.Leu237Phe)

Gene: AMBN (ameloblastin; plus strand). Cytogenetic location: 4q13.3.
Variant type: single nucleotide variant.
Coding change: c.709C>T on transcript NM_016519.6 (MANE Select); coding-DNA position 709, C replaced by T.
Protein change: p.Leu237Phe; replaces leucine 237 with phenylalanine.
Molecular consequence: missense variant.
Genome position (GRCh38, 1-based): chr4:70,603,416, C>T. VCF-style: chr4-70603416-C-T. GRCh37 (hg19) VCF-style: chr4-71469133-C-T.
Other names: short protein forms L237F.
Identifiers: ClinVar variation 3774146 (VCV003774146.1).
Genomic context (GRCh38, chr4:70,603,416, plus strand): 5'-TTACTTAAAAGTTTTTCCATTGGAAAATGCATTTTGTGATAATGATTGTATTTTATTTAG[C>T]TTTATCCAGGAATGTTGTACGTGCCTTTTGGAGCAAATCAATTGGTAAGTCCATATTCTA-3'
Protein context (NP_057603.1, residues 227-247): GPMPQNKQSP[Leu237Phe]YPGMLYVPFG

ClinVar aggregate classification (germline): Uncertain significance (1 of 4 stars; one submission).

Submission:

GeneDx
Classification: Uncertain significance. Last evaluated: 2024-09-17. Review status: criteria provided, single submitter. Criteria: GeneDx Variant Classification Process June 2021. Collection method: clinical testing. Allele origin: germline. Affected: yes.
Comment: Not observed at significant frequency in large population cohorts (gnomAD); In silico analysis indicates that this missense variant does not alter protein structure/function; Has not been previously published as pathogenic or benign to our knowledge